The following is an entry in ClinVar:

ClinVar aggregate classification (germline): Pathogenic (1 of 4 stars; one submission).

Conditions:
Hereditary spastic paraplegia 4. Also called: Spastic paraplegia 4, autosomal dominant; Spastic Paraplegia 4; Familial spastic paraplegia autosomal dominant 2. Identifiers: Orphanet 100985, MedGen C1866855, MONDO:0008438, OMIM 182601.

Submission:

Labcorp Genetics (formerly Invitae), Labcorp
Classification: Pathogenic for Hereditary spastic paraplegia 4. Last evaluated: 2024-11-07. Review status: criteria provided, single submitter. Criteria: Invitae Variant Classification Sherloc (09022015). Collection method: clinical testing. Allele origin: germline.
Comment: This sequence change creates a premature translational stop signal (p.Pro361Leufs*2) in the SPAST gene. It is expected to result in an absent or disrupted protein product. Loss-of-function variants in SPAST are known to be pathogenic (PMID: 20932283). This variant is not present in population databases (gnomAD no frequency). This premature translational stop signal has been observed in individual(s) with Hereditary spastic paraplegias (PMID: 25341883). For these reasons, this variant has been classified as Pathogenic.

Literature cited by the submitters: PubMed 20932283; PubMed 25341883.

NM_014946.4(SPAST):c.1082_1085del (p.Pro361fs)

Gene: SPAST (spastin; plus strand). Cytogenetic location: 2p22.3.
Variant type: Microsatellite.
Coding change: c.1082_1085del on transcript NM_014946.4 (MANE Select); coding-DNA positions 1082 to 1085, 4 bases deleted (CTTC; older notation c.1082_1085delCTTC).
Protein change: p.Pro361fs; shifts the reading frame from proline 361.
Molecular consequence: frameshift variant.
Genome position (GRCh38, 1-based): chr2:32,116,196-32,116,199, CTTC deleted; deleting any 4 consecutive bases within chr2:32,116,192-32,116,199 gives the same sequence; the c. name uses the placement nearest the transcript's 3' end. VCF-style (leftmost placement, unchanged base first): chr2-32116191-TCTTC-T. GRCh37 (hg19) VCF-style: chr2-32341260-TCTTC-T.
Other names: c.986_989del, p.Pro329fs (NM_199436.2, NM_001377959.1); c.1079_1082del, p.Pro360fs (NM_001363823.2); c.983_986del, p.Pro328fs (NM_001363875.2); short protein forms P361fs, P329fs, P328fs, P360fs.
Identifiers: ClinVar variation 3720312 (VCV003720312.2).